The following is an entry in ClinVar:

ClinVar aggregate classification (germline): Uncertain significance. Review status: criteria provided, multiple submitters, no conflicts (2 of 4 stars). 2 submissions from 2 submitters: Uncertain significance (2). Last evaluated 2024-06-24.

Conditions:
Alacrima, achalasia, and impaired intellectual development syndrome. Also called: Alacrima, achalasia, and intellectual disability syndrome; Alacrima, achalasia, and mental retardation syndrome. Identifiers: Orphanet 869, MedGen C4706563, MONDO:0014219, OMIM 615510.
Inborn genetic diseases. Identifiers: MedGen C0950123, MeSH D030342.

Allele frequency attached by ClinVar (database versions not stated): ExAC 0.00001; gnomAD 0.00002; gnomAD exomes 0.00002; TOPMed 0.00006.

Submissions (2):

Labcorp Genetics (formerly Invitae), Labcorp
Classification: Uncertain significance for Alacrima, achalasia, and impaired intellectual development syndrome. Last evaluated: 2024-06-24. Review status: criteria provided, single submitter. Criteria: Invitae Variant Classification Sherloc (09022015). Collection method: clinical testing. Allele origin: germline.
Comment: This sequence change replaces arginine, which is basic and polar, with cysteine, which is neutral and slightly polar, at codon 349 of the GMPPA protein (p.Arg349Cys). This variant is present in population databases (rs752643023, gnomAD 0.006%). This variant has not been reported in the literature in individuals affected with GMPPA-related conditions. ClinVar contains an entry for this variant (Variation ID: 2421255). Advanced modeling of protein sequence and biophysical properties (such as structural, functional, and spatial information, amino acid conservation, physicochemical variation, residue mobility, and thermodynamic stability) performed at Invitae indicates that this missense variant is not expected to disrupt GMPPA protein function with a negative predictive value of 80%. In summary, the available evidence is currently insufficient to determine the role of this variant in disease. Therefore, it has been classified as a Variant of Uncertain Significance.

Ambry Genetics
Classification: Uncertain significance for Inborn genetic diseases. Last evaluated: 2024-05-08. Review status: criteria provided, single submitter. Criteria: Ambry Variant Classification Scheme 2023. Collection method: clinical testing. Allele origin: germline.

NM_013335.4(GMPPA):c.1045C>T (p.Arg349Cys)

Genes: ASIC4-AS1 (ASIC4 antisense RNA 1; minus strand), GMPPA (GDP-mannose pyrophosphorylase A; plus strand). Cytogenetic location: 2q35.
Variant type: single nucleotide variant.
Coding change: c.1045C>T on transcript NM_013335.4 (MANE Select); coding-DNA position 1045, C replaced by T.
Protein change: p.Arg349Cys; replaces arginine 349 with cysteine.
Molecular consequence: missense variant.
Genome position (GRCh38, 1-based): chr2:219,506,305, C>T. VCF-style: chr2-219506305-C-T. GRCh37 (hg19) VCF-style: chr2-220371027-C-T.
Other names: c.1045C>T, p.Arg349Cys (NM_001374294.1, NM_001374295.1, NM_205847.3); c.1045C>T (NM_205847.2); short protein forms R349C.
Identifiers: ClinVar variation 2421255 (VCV002421255.4), dbSNP rs752643023, ClinGen allele CA2128407.